The following is an entry in ClinVar:

NM_001042492.3(NF1):c.3871-11C>T

Gene: NF1 (neurofibromin 1; plus strand). Cytogenetic location: 17q11.2.
Variant type: single nucleotide variant.
Coding change: c.3871-11C>T on transcript NM_001042492.3 (MANE Select); 11 bases into the intron before coding-DNA position 3871, C replaced by T.
Molecular consequence: intron variant.
Genome position (GRCh38, 1-based): chr17:31,235,907, C>T. VCF-style: chr17-31235907-C-T. GRCh37 (hg19) VCF-style: chr17-29562925-C-T.
Other names: c.3871-11C>T (NM_000267.4).
Identifiers: ClinVar variation 1664905 (VCV001664905.9), dbSNP rs184910144, ClinGen allele CA8486264.
Genomic context (GRCh38, chr17:31,235,907, plus strand): 5'-GCTGATTGTCTTCTTTTAAGGTAAAATATATGGAGCAGGTATAATAAACTCCTATTCGTG[C>T]ATTTCTGTAGGTATATGGTGCTACCTATCTACAAAAACTCCTGGATCCTTTATTACGAAT-3'

ClinVar aggregate classification (germline): Likely benign. Review status: criteria provided, multiple submitters, no conflicts (2 of 4 stars). 2 submissions from 2 submitters: Likely benign (2). Last evaluated 2026-05-12.

Conditions:
Neurofibromatosis, type 1 (NF1). Also called: VON RECKLINGHAUSEN DISEASE; NEUROFIBROMATOSIS, TYPE I, SOMATIC; Neurofibromatosis, type I; Peripheral type neurofibromatosis. Identifiers: Orphanet 636, MedGen C0027831, MONDO:0018975, OMIM 162200. Disease mechanism: loss of function.

Allele frequency attached by ClinVar (database versions not stated): gnomAD exomes 0.00001 and 0.00002; 1000 Genomes Project 0.00020; gnomAD 0.00001; ExAC 0.00002; 1000 Genomes Project 30x 0.00016; TOPMed below 0.00001.
gnomAD v4.1: 31 of 1,610,944 alleles (0.0019%); highest among the groups gnomAD compares: East Asian, 0.054%; no homozygotes.

Submissions (2):

Myriad Genetics, Inc.
Classification: Likely benign for Neurofibromatosis, type 1. Last evaluated: 2026-05-12. Review status: criteria provided, single submitter. Criteria: Myriad Autosomal Dominant, Autosomal Recessive and X-Linked Classification Criteria (2023). Collection method: clinical testing. Allele origin: unknown.
Comment: This variant is considered likely benign. This variant is intronic and is not expected to impact mRNA splicing.

Labcorp Genetics (formerly Invitae), Labcorp
Classification: Likely benign for Neurofibromatosis, type 1. Last evaluated: 2025-08-29. Review status: criteria provided, single submitter. Criteria: Invitae Variant Classification Sherloc (09022015). Collection method: clinical testing. Allele origin: germline.